The following is an entry in ClinVar:

ClinVar aggregate classification (germline): Uncertain significance (1 of 4 stars; one submission).

Conditions:
Immunodeficiency 14 (IMD14A). Also called: p110-DELTA-ACTIVATING MUTATION CAUSING SENESCENT T CELLS, LYMPHADENOPATHY, AND IMMUNODEFICIENCY; Activated PI3K Delta Syndrome Type 1 (APDS1); IMMUNODEFICIENCY 14A WITH LYMPHOPROLIFERATION, AUTOSOMAL DOMINANT; ACTIVATED PI3K-DELTA SYNDROME 1. Identifiers: Orphanet 397596, Orphanet 693661, MedGen C5907821, MONDO:0014222, OMIM 615513.

Allele frequency attached by ClinVar (database versions not stated): gnomAD exomes below 0.00001; TOPMed below 0.00001.
gnomAD v4.1: 6 of 1,613,964 alleles (0.00037%); highest among the groups gnomAD compares: South Asian, 0.0011%; no homozygotes.

Submission:

Labcorp Genetics (formerly Invitae), Labcorp
Classification: Uncertain significance for Activated PI3K-delta syndrome. Last evaluated: 2025-11-24. Review status: criteria provided, single submitter. Criteria: Invitae Variant Classification Sherloc (09022015). Collection method: clinical testing. Allele origin: germline.
Comment: This sequence change replaces alanine, which is neutral and non-polar, with valine, which is neutral and non-polar, at codon 983 of the PIK3CD protein (p.Ala983Val). This variant is not present in population databases (gnomAD no frequency). This variant has not been reported in the literature in individuals affected with PIK3CD-related conditions. ClinVar contains an entry for this variant (Variation ID: 861207). Invitae Evidence Modeling of protein sequence and biophysical properties (such as structural, functional, and spatial information, amino acid conservation, physicochemical variation, residue mobility, and thermodynamic stability) indicates that this missense variant is expected to disrupt PIK3CD protein function with a positive predictive value of 80%. In summary, the available evidence is currently insufficient to determine the role of this variant in disease. Therefore, it has been classified as a Variant of Uncertain Significance.

NM_005026.5(PIK3CD):c.2948C>T (p.Ala983Val)

Gene: PIK3CD (phosphatidylinositol-4,5-bisphosphate 3-kinase catalytic subunit delta; plus strand). Cytogenetic location: 1p36.22.
Variant type: single nucleotide variant.
Coding change: c.2948C>T on transcript NM_005026.5 (MANE Select); coding-DNA position 2948, C replaced by T.
Protein change: p.Ala983Val; replaces alanine 983 with valine.
Molecular consequence: missense variant.
Genome position (GRCh38, 1-based): chr1:9,724,887, C>T. VCF-style: chr1-9724887-C-T. GRCh37 (hg19) VCF-style: chr1-9784945-C-T.
Other names: c.2945C>T, p.Ala982Val (NM_001350234.2); c.2861C>T, p.Ala954Val (NM_001350235.1); short protein forms A954V, A982V, A983V.
Identifiers: ClinVar variation 861207 (VCV000861207.10), dbSNP rs975282953, ClinGen allele CA17785215.
Genomic context (GRCh38, chr1:9,724,887, plus strand): 5'-CCTACACCATCCTGCGGCGCCACGGGCTTCTCTTCCTCCACCTCTTTGCCCTGATGCGGG[C>T]GGCAGGCCTGCCTGAGCTCAGCTGCTCCAAAGACATCCAGTATCTCAAGGTATGTGCCGG-3'
Protein context (NP_005017.3, residues 973-993): LFLHLFALMR[Ala983Val]AGLPELSCSK